The following is an entry in ClinVar:

ClinVar aggregate classification (germline): Uncertain significance (1 of 4 stars; one submission).

gnomAD v4.1: 1 of 1,614,102 alleles (0.000062%); highest among the groups gnomAD compares: Non-Finnish European, 0.000085%; no homozygotes.

Submission:

Center for Genomic Medicine, Rigshospitalet, Copenhagen University Hospital
Classification: Uncertain significance. Last evaluated: 2025-12-29. Review status: criteria provided, single submitter. Criteria: ACMG Guidelines, 2015. Collection method: clinical testing. Allele origin: germline.
Comment: Classification criteria: PM2_Supporting, PP3_Moderate, PP4

Literature cited by the submitters: PubMed 34308089; PubMed 11502797.

NM_001756.4(SERPINA6):c.140C>T (p.Ala47Val)

Gene: SERPINA6 (serpin family A member 6; minus strand). Cytogenetic location: 14q32.13.
Variant type: single nucleotide variant.
Coding change: c.140C>T on transcript NM_001756.4 (MANE Select); coding-DNA position 140, C replaced by T.
Protein change: p.Ala47Val; replaces alanine 47 with valine.
Molecular consequence: missense variant.
Genome position (GRCh38, 1-based): chr14:94,314,509, G>A on the plus strand (C>T on the coding strand, the complement: SERPINA6 is on the minus strand). VCF-style: chr14-94314509-G-A. GRCh37 (hg19) VCF-style: chr14-94780846-G-A.
Other names: short protein forms A47V.
Identifiers: ClinVar variation 4539122 (VCV004539122.1).